The following is an entry in ClinVar:

NM_006059.4(LAMC3):c.1257C>G (p.Phe419Leu)

Gene: LAMC3 (laminin subunit gamma 3; plus strand). Cytogenetic location: 9q34.12.
Variant type: single nucleotide variant.
Coding change: c.1257C>G on transcript NM_006059.4 (MANE Select); coding-DNA position 1257, C replaced by G.
Protein change: p.Phe419Leu; replaces phenylalanine 419 with leucine.
Molecular consequence: missense variant.
Genome position (GRCh38, 1-based): chr9:131,039,222, C>G. VCF-style: chr9-131039222-C-G. GRCh37 (hg19) VCF-style: chr9-133914609-C-G.
Other names: short protein forms F419L.
Identifiers: ClinVar variation 1407154 (VCV001407154.8), dbSNP rs1383864060, ClinGen allele CA375259906.
Genomic context (GRCh38, chr9:131,039,222, plus strand): 5'-CACCTGCGCCTGCAAGCCCACGGTGACTGGCTGGAAGTGTGACCGCTGTCTGCCCGGGTT[C>G]CACTCGCTCAGTGAGGGAGGCTGCAGGTGAGGGCGAGGGGCGGCCCAGTATGGACACATT-3'
Protein context (NP_006050.3, residues 409-429): GWKCDRCLPG[Phe419Leu]HSLSEGGCRP

ClinVar aggregate classification (germline): Uncertain significance (1 of 4 stars; one submission).

Submission:

Labcorp Genetics (formerly Invitae), Labcorp
Classification: Uncertain significance. Last evaluated: 2023-06-26. Review status: criteria provided, single submitter. Criteria: Invitae Variant Classification Sherloc (09022015). Collection method: clinical testing. Allele origin: germline.
Comment: In summary, the available evidence is currently insufficient to determine the role of this variant in disease. Therefore, it has been classified as a Variant of Uncertain Significance. An algorithm developed to predict the effect of missense changes on protein structure and function (PolyPhen-2) suggests that this variant is likely to be disruptive. ClinVar contains an entry for this variant (Variation ID: 1407154). This variant has not been reported in the literature in individuals affected with LAMC3-related conditions. This variant is not present in population databases (gnomAD no frequency). This sequence change replaces phenylalanine, which is neutral and non-polar, with leucine, which is neutral and non-polar, at codon 419 of the LAMC3 protein (p.Phe419Leu).